The following is an entry in ClinVar:

NM_004260.4(RECQL4):c.2254G>A (p.Glu752Lys)

Gene: RECQL4 (RecQ like helicase 4; minus strand). Cytogenetic location: 8q24.3.
Variant type: single nucleotide variant.
Coding change: c.2254G>A on transcript NM_004260.4 (MANE Select); coding-DNA position 2254, G replaced by A.
Protein change: p.Glu752Lys; replaces glutamic acid 752 with lysine.
Molecular consequence: missense variant.
Genome position (GRCh38, 1-based): chr8:144,513,427, C>T on the plus strand (G>A on the coding strand, the complement: RECQL4 is on the minus strand). VCF-style: chr8-144513427-C-T. GRCh37 (hg19) VCF-style: chr8-145738811-C-T.
Other names: c.2254G>A (NM_004260.3); short protein forms E752K.
Identifiers: ClinVar variation 1045461 (VCV001045461.6), dbSNP rs1586803311, ClinGen allele CA372678472.

ClinVar aggregate classification (germline): Uncertain significance. Review status: criteria provided, multiple submitters, no conflicts (2 of 4 stars). 2 submissions from 2 submitters: Uncertain significance (2). Last evaluated 2025-01-14.

Conditions:
Baller-Gerold syndrome (BGS). Also called: CRANIOSYNOSTOSIS WITH RADIAL DEFECTS. Identifiers: Orphanet 1225, MedGen C0265308, MONDO:0009039, OMIM 218600.
Inborn genetic diseases. Identifiers: MedGen C0950123, MeSH D030342.

Allele frequency attached by ClinVar (database versions not stated): gnomAD exomes below 0.00001.

Submissions (2):

Ambry Genetics
Classification: Uncertain significance for Inborn genetic diseases. Last evaluated: 2025-01-14. Review status: criteria provided, single submitter. Criteria: Ambry Variant Classification Scheme 2023. Collection method: clinical testing. Allele origin: germline.
Comment: The p.E752K variant (also known as c.2254G>A), located in coding exon 14 of the RECQL4 gene, results from a G to A substitution at nucleotide position 2254. The glutamic acid at codon 752 is replaced by lysine, an amino acid with similar properties. This amino acid position is conserved. In addition, the in silico prediction for this alteration is inconclusive. Based on the available evidence, the clinical significance of this variant remains unclear.

Labcorp Genetics (formerly Invitae), Labcorp
Classification: Uncertain significance for Baller-Gerold syndrome. Last evaluated: 2023-07-07. Review status: criteria provided, single submitter. Criteria: Invitae Variant Classification Sherloc (09022015). Collection method: clinical testing. Allele origin: germline.
Comment: ClinVar contains an entry for this variant (Variation ID: 1045461). Advanced modeling of protein sequence and biophysical properties (such as structural, functional, and spatial information, amino acid conservation, physicochemical variation, residue mobility, and thermodynamic stability) performed at Invitae indicates that this missense variant is not expected to disrupt RECQL4 protein function. In summary, the available evidence is currently insufficient to determine the role of this variant in disease. Therefore, it has been classified as a Variant of Uncertain Significance. This sequence change replaces glutamic acid, which is acidic and polar, with lysine, which is basic and polar, at codon 752 of the RECQL4 protein (p.Glu752Lys). This variant is not present in population databases (gnomAD no frequency). This variant has not been reported in the literature in individuals affected with RECQL4-related conditions.